The following is an entry in ClinVar:

ClinVar aggregate classification (germline): Benign. Review status: criteria provided, single submitter (1 of 4 stars). 2 submissions from 2 submitters: Benign (1). 1 of the submissions does not count toward it. Last evaluated 2025-09-30.

Conditions:
TNS2-related disorder. Also called: TNS2-related condition.

Allele frequency attached by ClinVar (database versions not stated): 1000 Genomes Project 30x 0.00078; TOPMed 0.00092; 1000 Genomes Project 0.00100; ESP Exome Variant Server 0.00177; gnomAD exomes 0.00261 and 0.00341; ExAC 0.00283; gnomAD 0.00334 and 0.00352.
gnomAD v4.1: 4,267 of 1,614,150 alleles (0.26%); highest among the groups gnomAD compares: Non-Finnish European, 0.21%; 31 homozygotes.

Submissions (20):

Labcorp Genetics (formerly Invitae), Labcorp
Classification: Benign. Last evaluated: 2025-09-30. Review status: criteria provided, single submitter. Criteria: Invitae Variant Classification Sherloc (09022015). Collection method: clinical testing. Allele origin: germline.

PreventionGenetics, part of Exact Sciences
Classification: Likely benign for TNS2-related condition. Last evaluated: 2023-05-17. Review status: no assertion criteria provided. Collection method: clinical testing. Allele origin: germline. Not counted in ClinVar's aggregate classification.
Comment: This variant is classified as likely benign based on ACMG/AMP sequence variant interpretation guidelines (Richards et al. 2015 PMID: 25741868, with internal and published modifications).

Dr. Peter K. Rogan Lab, Western University
No classification provided (evidence only). Condition: Malignant tumor of urinary bladder. Review status: no classification provided. Collection method: in vitro. Allele origin: not applicable. Functional consequence: retained intron. Not counted in ClinVar's aggregate classification.

Dr. Peter K. Rogan Lab, Western University
No classification provided (evidence only). Condition: Malignant tumor of urinary bladder. Review status: no classification provided. Collection method: in vitro. Allele origin: not applicable. Functional consequence: retained intron. Not counted in ClinVar's aggregate classification.

Dr. Peter K. Rogan Lab, Western University
No classification provided (evidence only). Condition: Clear cell carcinoma of kidney. Review status: no classification provided. Collection method: in vitro. Allele origin: not applicable. Functional consequence: retained intron. Not counted in ClinVar's aggregate classification.

Dr. Peter K. Rogan Lab, Western University
No classification provided (evidence only). Condition: Melanoma. Review status: no classification provided. Collection method: in vitro. Allele origin: not applicable. Functional consequence: retained intron. Not counted in ClinVar's aggregate classification.

Dr. Peter K. Rogan Lab, Western University
No classification provided (evidence only). Condition: Familial cancer of breast. Review status: no classification provided. Collection method: in vitro. Allele origin: not applicable. Functional consequence: retained intron. Not counted in ClinVar's aggregate classification.

Dr. Peter K. Rogan Lab, Western University
No classification provided (evidence only). Condition: Familial cancer of breast. Review status: no classification provided. Collection method: in vitro. Allele origin: not applicable. Functional consequence: retained intron. Not counted in ClinVar's aggregate classification.

Dr. Peter K. Rogan Lab, Western University
No classification provided (evidence only). Condition: Colon adenocarcinoma. Review status: no classification provided. Collection method: in vitro. Allele origin: not applicable. Functional consequence: retained intron. Not counted in ClinVar's aggregate classification.

Dr. Peter K. Rogan Lab, Western University
No classification provided (evidence only). Condition: Colon adenocarcinoma. Review status: no classification provided. Collection method: in vitro. Allele origin: not applicable. Functional consequence: retained intron. Not counted in ClinVar's aggregate classification.

Dr. Peter K. Rogan Lab, Western University
No classification provided (evidence only). Condition: Colorectal cancer. Review status: no classification provided. Collection method: in vitro. Allele origin: not applicable. Functional consequence: retained intron. Not counted in ClinVar's aggregate classification.

Dr. Peter K. Rogan Lab, Western University
No classification provided (evidence only). Condition: Cervical cancer. Review status: no classification provided. Collection method: in vitro. Allele origin: not applicable. Functional consequence: retained intron. Not counted in ClinVar's aggregate classification.

Dr. Peter K. Rogan Lab, Western University
No classification provided (evidence only). Condition: Sarcoma. Review status: no classification provided. Collection method: in vitro. Allele origin: not applicable. Functional consequence: retained intron. Not counted in ClinVar's aggregate classification.

Dr. Peter K. Rogan Lab, Western University
No classification provided (evidence only). Condition: Sarcoma. Review status: no classification provided. Collection method: in vitro. Allele origin: not applicable. Functional consequence: retained intron. Not counted in ClinVar's aggregate classification.

Dr. Peter K. Rogan Lab, Western University
No classification provided (evidence only). Condition: Hepatocellular carcinoma. Review status: no classification provided. Collection method: in vitro. Allele origin: not applicable. Functional consequence: retained intron. Not counted in ClinVar's aggregate classification.

Dr. Peter K. Rogan Lab, Western University
No classification provided (evidence only). Condition: Ovarian serous cystadenocarcinoma. Review status: no classification provided. Collection method: in vitro. Allele origin: not applicable. Functional consequence: retained intron. Not counted in ClinVar's aggregate classification.

Dr. Peter K. Rogan Lab, Western University
No classification provided (evidence only). Condition: Ovarian serous cystadenocarcinoma. Review status: no classification provided. Collection method: in vitro. Allele origin: not applicable. Functional consequence: retained intron. Not counted in ClinVar's aggregate classification.

Dr. Peter K. Rogan Lab, Western University
No classification provided (evidence only). Condition: Ovarian serous cystadenocarcinoma. Review status: no classification provided. Collection method: in vitro. Allele origin: not applicable. Functional consequence: retained intron. Not counted in ClinVar's aggregate classification.

Dr. Peter K. Rogan Lab, Western University
No classification provided (evidence only). Condition: Ovarian serous cystadenocarcinoma. Review status: no classification provided. Collection method: in vitro. Allele origin: not applicable. Functional consequence: retained intron. Not counted in ClinVar's aggregate classification.

Dr. Peter K. Rogan Lab, Western University
No classification provided (evidence only). Condition: Malignant tumor of esophagus. Review status: no classification provided. Collection method: in vitro. Allele origin: not applicable. Functional consequence: retained intron. Not counted in ClinVar's aggregate classification.

NM_170754.4(TNS2):c.1086C>T (p.Gly362=)

Gene: TNS2 (tensin 2; plus strand). Cytogenetic location: 12q13.13.
Variant type: single nucleotide variant.
Coding change: c.1086C>T on transcript NM_170754.4 (MANE Select); coding-DNA position 1086, C replaced by T.
Protein change: p.Gly362=; no amino-acid change (glycine 362 retained).
Molecular consequence: synonymous variant.
Genome position (GRCh38, 1-based): chr12:53,058,093, C>T. VCF-style: chr12-53058093-C-T. GRCh37 (hg19) VCF-style: chr12-53451877-C-T.
Other names: c.1086C>T, p.Gly362= (NM_001416202.1, NM_001416204.1); c.1017C>T, p.Gly339= (NM_001416203.1, NM_015319.3); c.714C>T, p.Gly238= (NM_198316.2).
Identifiers: ClinVar variation 732869 (VCV000732869.11), dbSNP rs151036307, ClinGen allele CA6592174.